The following is an entry in ClinVar:

NM_133443.4(GPT2):c.971G>A (p.Gly324Glu)

Genes: GPT2 (glutamic--pyruvic transaminase 2; plus strand), LOC130058930 (ATAC-STARR-seq lymphoblastoid active region 10781; plus strand). Cytogenetic location: 16q11.2.
Variant type: single nucleotide variant.
Coding change: c.971G>A on transcript NM_133443.4 (MANE Select); coding-DNA position 971, G replaced by A.
Protein change: p.Gly324Glu; replaces glycine 324 with glutamic acid.
Molecular consequence: missense variant.
Genome position (GRCh38, 1-based): chr16:46,918,691, G>A. VCF-style: chr16-46918691-G-A. GRCh37 (hg19) VCF-style: chr16-46952603-G-A.
Other names: c.671G>A, p.Gly224Glu (NM_001142466.3); c.971G>A (NM_133443.2); short protein forms G224E, G324E.
Identifiers: ClinVar variation 3061898 (VCV003061898.2), dbSNP rs201383826, ClinGen allele CA8038756.

ClinVar aggregate classification (germline): Uncertain significance. Review status: criteria provided, multiple submitters, no conflicts (2 of 4 stars). 2 submissions from 2 submitters: Uncertain significance (2). Last evaluated 2024-12-23.

Conditions:
Glutamate pyruvate transaminase 2 deficiency (NEDSPM). Also called: Neurodevelopmental disorder with microcephaly and spastic paraplegia. Identifiers: Orphanet 477673, MedGen C4225388, MONDO:0014567, OMIM 616281.
Inborn genetic diseases. Identifiers: MedGen C0950123, MeSH D030342.

Allele frequency attached by ClinVar (database versions not stated): TOPMed 0.00006; ExAC 0.00016; gnomAD 0.00019.
gnomAD v4.1: 193 of 1,614,060 alleles (0.012%); highest among the groups gnomAD compares: Non-Finnish European, 0.014%; 1 homozygote.

Submissions (2):

Ambry Genetics
Classification: Uncertain significance for Inborn genetic diseases. Last evaluated: 2024-12-23. Review status: criteria provided, single submitter. Criteria: Ambry Variant Classification Scheme 2023. Collection method: clinical testing. Allele origin: germline.

MVZ Medizinische Genetik Mainz
Classification: Uncertain significance for Glutamate pyruvate transaminase 2 deficiency. Last evaluated: 2023-07-20. Review status: criteria provided, single submitter. Criteria: UK Practice Guidelines For Variant Classification V4 01 2020. Collection method: clinical testing. Allele origin: germline. Inheritance: Autosomal recessive inheritance. Affected: yes. Observed: 1 variant allele.
Comment: PM2_SUP,PM3_SUP